The following is an entry in ClinVar:

NM_001379291.1(BRD4):c.162C>G (p.Asn54Lys)

Gene: BRD4 (bromodomain containing 4; minus strand). Cytogenetic location: 19p13.12.
Variant type: single nucleotide variant.
Coding change: c.162C>G on transcript NM_001379291.1 (MANE Select); coding-DNA position 162, C replaced by G.
Protein change: p.Asn54Lys; replaces asparagine 54 with lysine.
Molecular consequence: missense variant.
Genome position (GRCh38, 1-based): chr19:15,272,938, G>C on the plus strand (C>G on the coding strand, the complement: BRD4 is on the minus strand). VCF-style: chr19-15272938-G-C. GRCh37 (hg19) VCF-style: chr19-15383749-G-C.
Other names: c.162C>G, p.Asn54Lys (NM_001330384.2, NM_001379292.1, NM_014299.3 and 1 more transcripts); short protein forms N54K.
Identifiers: ClinVar variation 4736352 (VCV004736352.1).
Genomic context (GRCh38, chr19:15,272,938, plus strand): 5'-TAGTGTCTTGAGCACCACTCTGAGCAGGTATTGCAGTTGGTTGGTCTGCCTCTTGGGCTT[G>C]TTAGGGTTGGAGGTCTCTGGGGGCGGGGGGTTGGTGCTGGCTGCGTTGGCTGGCTGGGGT-3'
Protein context (NP_001366220.1, residues 44-64): NPPPPETSNP[Asn54Lys]KPKRQTNQLQ

ClinVar aggregate classification (germline): Uncertain significance (1 of 4 stars; one submission).

Submission:

Labcorp Genetics (formerly Invitae), Labcorp
Classification: Uncertain significance. Last evaluated: 2025-08-22. Review status: criteria provided, single submitter. Criteria: Invitae Variant Classification Sherloc (09022015). Collection method: clinical testing. Allele origin: germline.
Comment: This sequence change replaces asparagine, which is neutral and polar, with lysine, which is basic and polar, at codon 54 of the BRD4 protein (p.Asn54Lys). This variant is not present in population databases (gnomAD no frequency). This variant has not been reported in the literature in individuals affected with BRD4-related conditions. Invitae Evidence Modeling of protein sequence and biophysical properties (such as structural, functional, and spatial information, amino acid conservation, physicochemical variation, residue mobility, and thermodynamic stability) indicates that this missense variant is not expected to disrupt BRD4 protein function with a negative predictive value of 80%. In summary, the available evidence is currently insufficient to determine the role of this variant in disease. Therefore, it has been classified as a Variant of Uncertain Significance.